The following is an entry in ClinVar:

NM_000112.4(SLC26A2):c.1509_1514del (p.Met504_Trp505del)

Gene: SLC26A2 (solute carrier family 26 member 2; plus strand). Cytogenetic location: 5q32.
Variant type: Deletion.
Coding change: c.1509_1514del on transcript NM_000112.4 (MANE Select); coding-DNA positions 1509 to 1514, 6 bases deleted (AATGTG; older notation c.1509_1514delAATGTG).
Protein change: p.Met504_Trp505del.
Molecular consequence: inframe deletion.
Genome position (GRCh38, 1-based): chr5:149,981,102-149,981,107, AATGTG deleted. VCF-style (leftmost placement, unchanged base first): chr5-149981101-AAATGTG-A. GRCh37 (hg19) VCF-style: chr5-149360664-AAATGTG-A.
Identifiers: ClinVar variation 2943796 (VCV002943796.3), dbSNP rs2480776192, ClinGen allele CA2740094148.
Genomic context (GRCh38, chr5:149,981,101, plus strand): 5'-TTGGTGTGATCACAATTGTAAATCTACGGGGAGCCCTTCGTAAATTTAGGGATCTTCCCA[AAATGTG>A]GAGTATTAGTAGAATGGATACAGTTATCTGGTTTGTTACTATGCTGTCCTCTGCACTGCT-3'

ClinVar aggregate classification (germline): Pathogenic (1 of 4 stars; one submission).

Conditions:
Achondrogenesis, type IB (ACG1B). Also called: Achondrogenesis Type 1B. Identifiers: Orphanet 932, Orphanet 93298, MedGen C0265274, MONDO:0010966, OMIM 600972.
Diastrophic dysplasia (DTD). Also called: Diastrophic dwarfism. Identifiers: Orphanet 628, MedGen C0220726, MONDO:0009107, OMIM 222600.
Multiple epiphyseal dysplasia type 4 (EDM4). Also called: Multiple Epiphyseal Dysplasia, Recessive; MULTIPLE EPIPHYSEAL DYSPLASIA WITH BILAYERED PATELLAE; MULTIPLE EPIPHYSEAL DYSPLASIA WITH CLUBFOOT; MULTIPLE EPIPHYSEAL DYSPLASIA, AUTOSOMAL RECESSIVE; SLC26A2-Related Multiple Epiphyseal Dysplasia. Identifiers: Orphanet 93307, MedGen C1847593, MONDO:0009189, OMIM 226900.
Atelosteogenesis type II (AO2). Also called: NEONATAL OSSEOUS DYSPLASIA I; Neonatal osseous dysplasia 1; SLC26A2-Related Atelosteogenesis. Identifiers: Orphanet 56304, MedGen C1850554, MONDO:0009727, OMIM 256050.

Submission:

Labcorp Genetics (formerly Invitae), Labcorp
Classification: Pathogenic for Atelosteogenesis type II; Multiple epiphyseal dysplasia type 4; Achondrogenesis, type IB; Diastrophic dysplasia. Last evaluated: 2023-02-01. Review status: criteria provided, single submitter. Criteria: Invitae Variant Classification Sherloc (09022015). Collection method: clinical testing. Allele origin: germline.
Comment: This variant has not been reported in the literature in individuals affected with SLC26A2-related conditions. This variant, c.1509_1514del, results in the deletion of 2 amino acid(s) of the SLC26A2 protein (p.Met504_Trp505del), but otherwise preserves the integrity of the reading frame. This variant is not present in population databases (gnomAD no frequency). This variant disrupts a region of the SLC26A2 protein in which other variant(s) (p.Trp505Arg) have been determined to be pathogenic (Invitae). This suggests that this is a clinically significant region of the protein, and that variants that disrupt it are likely to be disease-causing. For these reasons, this variant has been classified as Pathogenic.